The following is an entry in ClinVar:

NM_006364.4(SEC23A):c.129del (p.Pro44fs)

Gene: SEC23A (SEC23 homolog A, COPII component; minus strand). Cytogenetic location: 14q21.1.
Variant type: Deletion.
Coding change: c.129del on transcript NM_006364.4 (MANE Select); coding-DNA position 129, one base deleted (A; older notation c.129delA).
Protein change: p.Pro44fs; shifts the reading frame from proline 44.
Molecular consequence: frameshift variant.
Genome position (GRCh38, 1-based): chr14:39,095,990, T deleted on the plus strand (A on the coding strand, the reverse complement: SEC23A is on the minus strand). VCF-style (leftmost placement, unchanged base first): chr14-39095989-GT-G. GRCh37 (hg19) VCF-style: chr14-39565193-GT-G.
Other names: short protein forms P44fs.
Identifiers: ClinVar variation 4729181 (VCV004729181.1).

ClinVar aggregate classification (germline): Uncertain significance (1 of 4 stars; one submission).

Conditions:
Craniolenticulosutural dysplasia (CLSD). Also called: BOYADJIEV-JABS SYNDROME. Identifiers: Orphanet 50814, MedGen C1843042, MONDO:0011911, OMIM 607812.

Submission:

Labcorp Genetics (formerly Invitae), Labcorp
Classification: Uncertain significance for Craniolenticulosutural dysplasia. Last evaluated: 2025-10-17. Review status: criteria provided, single submitter. Criteria: Invitae Variant Classification Sherloc (09022015). Collection method: clinical testing. Allele origin: germline.
Comment: This sequence change creates a premature translational stop signal (p.Pro44Hisfs*2) in the SEC23A gene. It is expected to result in an absent or disrupted protein product. However, the current clinical and genetic evidence is not sufficient to establish whether loss-of-function variants in SEC23A cause disease. This variant is not present in population databases (gnomAD no frequency). This variant has not been reported in the literature in individuals affected with SEC23A-related conditions. In summary, the available evidence is currently insufficient to determine the role of this variant in disease. Therefore, it has been classified as a Variant of Uncertain Significance.